The following is an entry in ClinVar:

ClinVar aggregate classification (germline): Conflicting classifications of pathogenicity. Review status: criteria provided, conflicting classifications (1 of 4 stars). 14 submissions from 14 submitters: Uncertain significance (5); Likely benign (6). 3 of the submissions do not count toward it. Last evaluated 2026-09-01.

Conditions:
Charcot-Marie-Tooth disease recessive intermediate B. Also called: CHARCOT-MARIE-TOOTH NEUROPATHY, RECESSIVE INTERMEDIATE B. Identifiers: Orphanet 254334, MedGen C3150897, MONDO:0013338, OMIM 613641.
Hearing impairment. Also called: Impaired Hearing. Identifiers: MedGen C1384666, MONDO:0005365, HP:0000365.
KARS1-related disorder. Also called: KARS1-related disorders.

Allele frequency attached by ClinVar (database versions not stated): gnomAD 0.00138 and 0.00160; ESP Exome Variant Server 0.00139; TOPMed 0.00157; 1000 Genomes Project 0.00020; 1000 Genomes Project 30x 0.00031; gnomAD exomes 0.00134; ExAC 0.00138.
gnomAD v4.1: 3,476 of 1,614,150 alleles (0.22%); highest among the groups gnomAD compares: Non-Finnish European, 0.27%; 6 homozygotes.

Submissions (14):

CeGaT Center for Human Genetics Tuebingen
Classification: Likely benign. Last evaluated: 2026-09-01. Review status: criteria provided, single submitter. Criteria: CeGaT Center For Human Genetics Tuebingen Variant Classification Criteria Version 2. Collection method: clinical testing. Allele origin: germline. Affected: yes. Observed: 9 variant alleles.
Comment: KARS1: BS1

Labcorp Genetics (formerly Invitae), Labcorp
Classification: Likely benign. Last evaluated: 2025-12-24. Review status: criteria provided, single submitter. Criteria: Invitae Variant Classification Sherloc (09022015). Collection method: clinical testing. Allele origin: germline.

Women's Health and Genetics/Laboratory Corporation of America, LabCorp
Classification: Likely benign. Last evaluated: 2025-02-11. Review status: criteria provided, single submitter. Criteria: LabCorp Variant Classification Summary - May 2015. Collection method: clinical testing. Allele origin: germline.
Comment: Variant summary: KARS1 c.1262G>A (p.Arg421Gln) results in a conservative amino acid change located in the bira bifunctional protein domain of the encoded protein sequence. Four of five in-silico tools predict a damaging effect of the variant on protein function. The variant allele was found at a frequency of 0.0022 in 1614150 control chromosomes, predominantly at a frequency of 0.0027 within the Non-Finnish European subpopulation in the gnomAD database, including 4 homozygotes. The observed variant frequency within Non-Finnish European control individuals in the gnomAD database is approximately 2.41 fold of the estimated maximal expected allele frequency for a pathogenic variant in KARS1 causing Leukoencephalopathy, progressive, infantile-onset, with or without deafness phenotype (0.0011). To our knowledge, no occurrence of c.1262G>A in individuals affected with Leukoencephalopathy, progressive, infantile-onset, with or without deafness and no experimental evidence demonstrating its impact on protein function have been reported. ClinVar contains an entry for this variant (Variation ID: 439842). Based on the evidence outlined above, the variant was classified as likely benign.

GeneDx
Classification: Uncertain significance. Last evaluated: 2025-02-07. Review status: criteria provided, single submitter. Criteria: GeneDx Variant Classification Process June 2021. Collection method: clinical testing. Allele origin: germline. Affected: yes.
Comment: Reported as a germline variant in possible association with sporadic lung cancer in one heterozygous individual; however, further research is needed to understand the association between this variant and human disease (PMID: 26762739); In silico analysis supports that this missense variant has a deleterious effect on protein structure/function; This variant is associated with the following publications: (PMID: 26762739)

Blueprint Genetics
Classification: Uncertain significance. Last evaluated: 2024-11-26. Review status: criteria provided, single submitter. Criteria: ACMG Guidelines, 2015. Collection method: clinical testing. Allele origin: germline.

Mayo Clinic Laboratories, Mayo Clinic
Classification: Likely benign. Last evaluated: 2024-09-27. Review status: criteria provided, single submitter. Criteria: ACMG Guidelines, 2015. Collection method: clinical testing. Allele origin: germline. Observed: 12 variant alleles.
Comment: BS1

ARUP Laboratories, Molecular Genetics and Genomics, ARUP Laboratories
Classification: Uncertain significance. Last evaluated: 2023-10-23. Review status: criteria provided, single submitter. Criteria: ARUP Molecular Germline Variant Investigation Process 2024. Collection method: clinical testing. Allele origin: germline.
Comment: The KARS1 c.1262G>A; p.Arg421Gln variant (rs149772470) has been described in one individual with lung cancer, but without evidence of pathogenicity (Liu 2016). This variant is also reported in ClinVar (Variation ID: 439842), and is found in the general population with an overall allele frequency of 0.14% (388/282766 alleles, including one homozygote) in the Genome Aggregation Database. The arginine at codon 421 is highly conserved, and computational analyses predict that this variant is deleterious (REVEL: 0.729). However, due to the lack of clinical and functional data regarding this variant, its clinical significance cannot be determined with certainty.

Ambry Genetics
Classification: Likely benign. Last evaluated: 2022-02-10. Review status: criteria provided, single submitter. Criteria: Ambry Variant Classification Scheme 2023. Collection method: clinical testing. Allele origin: germline.

Department of Otolaryngology – Head & Neck Surgery, Cochlear Implant Center
Classification: Uncertain significance for Hearing impairment. Last evaluated: 2021-04-12. Review status: criteria provided, single submitter. Criteria: ClinGen HL ACMG Specifications v1. Collection method: clinical testing. Allele origin: germline. Affected: yes.
Comment: PP3_Supporting, BS1_Supporting

Clinical Genetics DNA and cytogenetics Diagnostics Lab, Erasmus MC, Erasmus Medical Center
Classification: Uncertain significance for Charcot-Marie-Tooth disease recessive intermediate B. Last evaluated: 2017-09-14. Review status: criteria provided, single submitter. Criteria: ACGS Guidelines, 2013. Collection method: clinical testing. Allele origin: germline. Affected: yes. Study: VKGL Data-share Consensus.

Laboratory for Molecular Medicine, Mass General Brigham Personalized Medicine
Classification: Likely benign. Last evaluated: 2017-04-13. Review status: criteria provided, single submitter. Criteria: LMM Criteria. Collection method: clinical testing. Allele origin: germline. Observed: 2 variant alleles.
Comment: p.Arg421Gln in exon 10 of KARS: This variant is not expected to have clinical si gnificance because it has been identified in 0.3% (322/12662) of European chromo somes by the Genome Aggregation Database (gnomAD, rg; dbSNP rs149772470).

PreventionGenetics, part of Exact Sciences
Classification: Likely benign for KARS1-related condition. Last evaluated: 2022-12-28. Review status: no assertion criteria provided. Collection method: clinical testing. Allele origin: germline. Not counted in ClinVar's aggregate classification.
Comment: This variant is classified as likely benign based on ACMG/AMP sequence variant interpretation guidelines (Richards et al. 2015 PMID: 25741868, with internal and published modifications).

Clinical Genetics, Academic Medical Center
Classification: Uncertain significance. Review status: no assertion criteria provided. Collection method: clinical testing. Allele origin: germline. Affected: yes. Study: VKGL Data-share Consensus. Not counted in ClinVar's aggregate classification.

Genome Diagnostics Laboratory, University Medical Center Utrecht
Classification: Uncertain significance. Review status: no assertion criteria provided. Collection method: clinical testing. Allele origin: germline. Affected: yes. Study: VKGL Data-share Consensus. Not counted in ClinVar's aggregate classification.

NM_005548.3(KARS1):c.1178G>A (p.Arg393Gln)

Gene: KARS1 (lysyl-tRNA synthetase 1; minus strand). Cytogenetic location: 16q23.1.
Variant type: single nucleotide variant.
Coding change: c.1178G>A on transcript NM_005548.3 (MANE Select); coding-DNA position 1178, G replaced by A.
Protein change: p.Arg393Gln; replaces arginine 393 with glutamine.
Molecular consequence: missense variant.
Genome position (GRCh38, 1-based): chr16:75,631,490, C>T on the plus strand (G>A on the coding strand, the complement: KARS1 is on the minus strand). VCF-style: chr16-75631490-C-T. GRCh37 (hg19) VCF-style: chr16-75665388-C-T.
Other names: c.1262G>A, p.Arg421Gln (NM_001130089.2); c.710G>A, p.Arg237Gln (NM_001378148.1); short protein forms R421Q, R393Q, R237Q.
Identifiers: ClinVar variation 439842 (VCV000439842.79), dbSNP rs149772470, ClinGen allele CA8177364.